The following is an entry in ClinVar:

ClinVar aggregate classification (germline): Pathogenic (1 of 4 stars; one submission).

Conditions:
Breast-ovarian cancer, familial, susceptibility to, 4. Identifiers: Orphanet 145, MedGen C3280345, MONDO:0013669, OMIM 614291.

Submission:

Labcorp Genetics (formerly Invitae), Labcorp
Classification: Pathogenic for Breast-ovarian cancer, familial, susceptibility to, 4. Last evaluated: 2024-12-12. Review status: criteria provided, single submitter. Criteria: Invitae Variant Classification Sherloc (09022015). Collection method: clinical testing. Allele origin: germline.
Comment: This sequence change creates a premature translational stop signal (p.Tyr134*) in the RAD51D gene. It is expected to result in an absent or disrupted protein product. Loss-of-function variants in RAD51D are known to be pathogenic (PMID: 21822267). This variant is present in population databases (no rsID available, gnomAD 0.0009%). This variant has not been reported in the literature in individuals affected with RAD51D-related conditions. Algorithms developed to predict the effect of sequence changes on RNA splicing suggest that this variant may disrupt the consensus splice site. For these reasons, this variant has been classified as Pathogenic.

Literature cited by the submitters: PubMed 21822267.

NM_002878.4(RAD51D):c.402T>A (p.Tyr134Ter)

Genes: RAD51D (RAD51 paralog D; minus strand), RAD51L3-RFFL (RAD51L3-RFFL readthrough; minus strand). Cytogenetic location: 17q12.
Variant type: single nucleotide variant.
Coding change: c.402T>A on transcript NM_002878.4 (MANE Select); coding-DNA position 402, T replaced by A.
Protein change: p.Tyr134Ter; replaces tyrosine 134 with a stop codon.
Molecular consequence: nonsense. On other transcripts: non-coding transcript variant (1), intron variant (1).
Genome position (GRCh38, 1-based): chr17:35,107,066, A>T on the plus strand (T>A on the coding strand, the complement: RAD51D is on the minus strand). VCF-style: chr17-35107066-A-T. GRCh37 (hg19) VCF-style: chr17-33434085-A-T.
Other names: c.462T>A, p.Tyr154Ter (NM_001142571.2); c.145-585T>A (NM_133629.3); short protein forms Y134*, Y154*.
Identifiers: ClinVar variation 3727171 (VCV003727171.2).